The following is an entry in ClinVar:

ClinVar aggregate classification (germline): Uncertain significance (1 of 4 stars; one submission).

Allele frequency attached by ClinVar (database versions not stated): gnomAD exomes below 0.00001; ExAC 0.00001.
gnomAD v4.1: 1 of 1,613,328 alleles (0.000062%); highest among the groups gnomAD compares: Non-Finnish European, 0.000085%; no homozygotes.

Submission:

Labcorp Genetics (formerly Invitae), Labcorp
Classification: Uncertain significance. Last evaluated: 2022-04-16. Review status: criteria provided, single submitter. Criteria: Invitae Variant Classification Sherloc (09022015). Collection method: clinical testing. Allele origin: germline.
Comment: This sequence change replaces threonine, which is neutral and polar, with isoleucine, which is neutral and non-polar, at codon 577 of the ADAMTSL4 protein (p.Thr577Ile). This variant is present in population databases (rs778345767, gnomAD 0.0009%). This variant has not been reported in the literature in individuals affected with ADAMTSL4-related conditions. Algorithms developed to predict the effect of missense changes on protein structure and function (SIFT, PolyPhen-2, Align-GVGD) all suggest that this variant is likely to be disruptive. In summary, the available evidence is currently insufficient to determine the role of this variant in disease. Therefore, it has been classified as a Variant of Uncertain Significance.

NM_019032.6(ADAMTSL4):c.1730C>T (p.Thr577Ile)

Genes: ADAMTSL4 (ADAMTS like 4; plus strand), ADAMTSL4-AS2 (ADAMTSL4 antisense RNA 2; minus strand). Cytogenetic location: 1q21.2.
Variant type: single nucleotide variant.
Coding change: c.1730C>T on transcript NM_019032.6 (MANE Select); coding-DNA position 1730, C replaced by T.
Protein change: p.Thr577Ile; replaces threonine 577 with isoleucine.
Molecular consequence: missense variant.
Genome position (GRCh38, 1-based): chr1:150,556,774, C>T. VCF-style: chr1-150556774-C-T. GRCh37 (hg19) VCF-style: chr1-150529250-C-T.
Other names: c.1799C>T, p.Thr600Ile (NM_001288607.2, NM_001288608.2); c.1730C>T, p.Thr577Ile (NM_001378596.1, NM_025008.5); short protein forms T577I, T600I.
Identifiers: ClinVar variation 2107470 (VCV002107470.4), dbSNP rs778345767, ClinGen allele CA1078377.